The following is an entry in ClinVar:

NM_002529.4(NTRK1):c.254G>A (p.Arg85His)

Gene: NTRK1 (neurotrophic receptor tyrosine kinase 1; plus strand). Cytogenetic location: 1q23.1.
Variant type: single nucleotide variant.
Coding change: c.254G>A on transcript NM_002529.4 (MANE Select); coding-DNA position 254, G replaced by A.
Protein change: p.Arg85His; replaces arginine 85 with histidine.
Molecular consequence: missense variant.
Genome position (GRCh38, 1-based): chr1:156,864,395, G>A. VCF-style: chr1-156864395-G-A. GRCh37 (hg19) VCF-style: chr1-156834187-G-A.
Other names: p.Arg85His; c.164G>A, p.Arg55His (NM_001007792.1); c.254G>A, p.Arg85His (NM_001012331.2); short protein forms R55H, R85H.
Identifiers: ClinVar variation 246137 (VCV000246137.29), dbSNP rs79678945, ClinGen allele CA1168868.

ClinVar aggregate classification (germline): Benign/Likely benign. Review status: criteria provided, multiple submitters, no conflicts (2 of 4 stars). 10 submissions from 10 submitters: Benign (3); Likely benign (7). Last evaluated 2026-01-26.

Conditions:
Inborn genetic diseases. Identifiers: MedGen C0950123, MeSH D030342.
Hereditary insensitivity to pain with anhidrosis (CIPA). Also called: hereditary sensory and autonomic neuropathy type 4; NEUROPATHY, CONGENITAL SENSORY, WITH ANHIDROSIS; INSENSITIVITY TO PAIN, CONGENITAL, WITH ANHIDROSIS; FAMILIAL DYSAUTONOMIA, TYPE II; HSAN Type IV; NTRK1 Congenital Insensitivity to Pain with Anhidrosis. Identifiers: Orphanet 642, MedGen C0020074, MONDO:0009746, OMIM 256800.

Allele frequency attached by ClinVar (database versions not stated): ESP Exome Variant Server 0.00169; gnomAD 0.00210 and 0.00220; TOPMed 0.00221; 1000 Genomes Project 0.00300; 1000 Genomes Project 30x 0.00375.
gnomAD v4.1: 622 of 1,614,146 alleles (0.039%); highest among the groups gnomAD compares: African/African-American, 0.7%; 2 homozygotes.

Submissions (10):

Labcorp Genetics (formerly Invitae), Labcorp
Classification: Likely benign for Hereditary insensitivity to pain with anhidrosis. Last evaluated: 2026-01-26. Review status: criteria provided, single submitter. Criteria: Invitae Variant Classification Sherloc (09022015). Collection method: clinical testing. Allele origin: germline.

Blueprint Genetics
Classification: Likely benign. Last evaluated: 2024-10-22. Review status: criteria provided, single submitter. Criteria: ACMG Guidelines, 2015. Collection method: clinical testing. Allele origin: germline.

KCCC/NGS Laboratory, Kuwait Cancer Control Center
Classification: Benign for Hereditary insensitivity to pain with anhidrosis. Last evaluated: 2023-07-07. Review status: criteria provided, single submitter. Criteria: ACMG Guidelines, 2015. Collection method: clinical testing. Allele origin: germline. Affected: yes.

Genome-Nilou Lab
Classification: Likely benign for Hereditary insensitivity to pain with anhidrosis. Last evaluated: 2023-04-11. Review status: criteria provided, single submitter. Criteria: ACMG Guidelines, 2015. Collection method: clinical testing. Allele origin: germline. Affected: no.

ARUP Laboratories, Molecular Genetics and Genomics, ARUP Laboratories
Classification: Likely benign for Hereditary insensitivity to pain with anhidrosis. Last evaluated: 2021-09-27. Review status: criteria provided, single submitter. Criteria: ARUP Molecular Germline Variant Investigation Process 2021. Collection method: clinical testing. Allele origin: germline.

Athena Diagnostics
Classification: Likely benign. Last evaluated: 2021-03-03. Review status: criteria provided, single submitter. Criteria: Athena Diagnostics criteria. Collection method: clinical testing. Allele origin: unknown.

GeneDx
Classification: Likely benign. Last evaluated: 2021-02-05. Review status: criteria provided, single submitter. Criteria: GeneDx Variant Classification Process June 2021. Collection method: clinical testing. Allele origin: germline. Affected: yes.
Comment: This variant is associated with the following publications: (PMID: 26215504)

Ambry Genetics
Classification: Likely benign for Inborn genetic diseases. Last evaluated: 2019-11-06. Review status: criteria provided, single submitter. Criteria: Ambry Variant Classification Scheme 2023. Collection method: clinical testing. Allele origin: germline.

Eurofins Ntd Llc (ga)
Classification: Benign. Last evaluated: 2016-03-18. Review status: criteria provided, single submitter. Criteria: EGL Classification Definitions 2015. Collection method: clinical testing. Allele origin: germline. Observed: 1 variant allele, 1 heterozygote.

Mayo Clinic Laboratories, Mayo Clinic
Classification: Benign. Last evaluated: 2016-03-08. Review status: criteria provided, single submitter. Criteria: ACMG Guidelines, 2015. Collection method: clinical testing. Allele origin: germline. Observed: 3 variant alleles.

Literature cited by the submitters: PubMed 26215504 (cited by Athena Diagnostics).